The following is an entry in ClinVar:

NM_001348768.2(HECW2):c.2436C>A (p.Asn812Lys)

Gene: HECW2 (HECT, C2 and WW domain containing E3 ubiquitin protein ligase 2; minus strand). Cytogenetic location: 2q32.3.
Variant type: single nucleotide variant.
Coding change: c.2436C>A on transcript NM_001348768.2 (MANE Select); coding-DNA position 2436, C replaced by A.
Protein change: p.Asn812Lys; replaces asparagine 812 with lysine.
Molecular consequence: missense variant.
Genome position (GRCh38, 1-based): chr2:196,308,084, G>T on the plus strand (C>A on the coding strand, the complement: HECW2 is on the minus strand). VCF-style: chr2-196308084-G-T. GRCh37 (hg19) VCF-style: chr2-197172808-G-T.
Other names: c.1368C>A, p.Asn456Lys (NM_001304840.3); c.2436C>A, p.Asn812Lys (NM_020760.4); short protein forms N456K, N812K.
Identifiers: ClinVar variation 1699604 (VCV001699604.4), dbSNP rs1453566548, ClinGen allele CA349962026.

ClinVar aggregate classification (germline): Uncertain significance. Review status: criteria provided, multiple submitters, no conflicts (2 of 4 stars). 2 submissions from 2 submitters: Uncertain significance (2). Last evaluated 2025-05-01.

Conditions:
Inborn genetic diseases. Identifiers: MedGen C0950123, MeSH D030342.

Submissions (2):

GeneDx
Classification: Uncertain significance. Last evaluated: 2025-05-01. Review status: criteria provided, single submitter. Criteria: GeneDx Variant Classification Process June 2021. Collection method: clinical testing. Allele origin: germline.
Comment: Not observed at significant frequency in large population cohorts (gnomAD); In silico analysis supports that this missense variant has a deleterious effect on protein structure/function; Has not been previously published as pathogenic or benign to our knowledge

Ambry Genetics
Classification: Uncertain significance for Inborn genetic diseases. Last evaluated: 2024-03-04. Review status: criteria provided, single submitter. Criteria: Ambry Variant Classification Scheme 2023. Collection method: clinical testing. Allele origin: germline.